The following is an entry in ClinVar:

ClinVar aggregate classification (germline): Likely benign. Review status: criteria provided, multiple submitters, no conflicts (2 of 4 stars). 2 submissions from 2 submitters: Likely benign (2). Last evaluated 2022-10-01.

Conditions:
Inborn genetic diseases. Identifiers: MedGen C0950123, MeSH D030342.

Submissions (2):

CeGaT Center for Human Genetics Tuebingen
Classification: Likely benign. Last evaluated: 2022-10-01. Review status: criteria provided, single submitter. Criteria: CeGaT Center For Human Genetics Tuebingen Variant Classification Criteria Version 2. Collection method: clinical testing. Allele origin: germline. Affected: yes. Observed: 1 variant allele.
Comment: SETD1B: BP3

Ambry Genetics
Classification: Likely benign for Inborn genetic diseases. Last evaluated: 2022-07-24. Review status: criteria provided, single submitter. Criteria: Ambry Variant Classification Scheme 2023. Collection method: clinical testing. Allele origin: germline.

NM_001353345.2(SETD1B):c.3564_3575del (p.Glu1191_Glu1194del)

Gene: SETD1B (SET domain containing 1B, histone lysine methyltransferase; plus strand). Cytogenetic location: 12q24.31.
Variant type: Deletion.
Coding change: c.3564_3575del on transcript NM_001353345.2 (MANE Select); coding-DNA positions 3564 to 3575, 12 bases deleted (AGAAGAGGAGGA).
Protein change: p.Glu1191_Glu1194del.
Molecular consequence: inframe deletion.
Genome position (GRCh38, 1-based): chr12:121,819,549-121,819,560, AGAAGAGGAGGA deleted; deleting any 12 consecutive bases within chr12:121,819,538-121,819,560 gives the same sequence; the c. name uses the placement nearest the transcript's 3' end. VCF-style (leftmost placement, unchanged base first): chr12-121819537-GGAAGAGGAGGAA-G. GRCh37 (hg19) VCF-style: chr12-122257443-GGAAGAGGAGGAA-G.
Other names: NM_015048.1:c.3435_3446del12.
Identifiers: ClinVar variation 2349637 (VCV002349637.26), dbSNP rs772897578, ClinGen allele CA6839083.